The following is an entry in ClinVar:

ClinVar aggregate classification (germline): Uncertain significance (1 of 4 stars; one submission).

gnomAD v4.1: 1 of 1,614,150 alleles (0.000062%); highest among the groups gnomAD compares: African/African-American, 0.0013%; no homozygotes.

Submission:

Labcorp Genetics (formerly Invitae), Labcorp
Classification: Uncertain significance. Last evaluated: 2024-08-12. Review status: criteria provided, single submitter. Criteria: Invitae Variant Classification Sherloc (09022015). Collection method: clinical testing. Allele origin: germline.
Comment: This sequence change replaces proline, which is neutral and non-polar, with histidine, which is basic and polar, at codon 2254 of the NSD1 protein (p.Pro2254His). This variant is not present in population databases (gnomAD no frequency). This variant has not been reported in the literature in individuals affected with NSD1-related conditions. Advanced modeling of protein sequence and biophysical properties (such as structural, functional, and spatial information, amino acid conservation, physicochemical variation, residue mobility, and thermodynamic stability) performed at Invitae indicates that this missense variant is not expected to disrupt NSD1 protein function with a negative predictive value of 95%. In summary, the available evidence is currently insufficient to determine the role of this variant in disease. Therefore, it has been classified as a Variant of Uncertain Significance.

NM_022455.5(NSD1):c.6761C>A (p.Pro2254His)

Gene: NSD1 (nuclear receptor binding SET domain protein 1; plus strand). Cytogenetic location: 5q35.3.
Variant type: single nucleotide variant.
Coding change: c.6761C>A on transcript NM_022455.5 (MANE Select); coding-DNA position 6761, C replaced by A.
Protein change: p.Pro2254His; replaces proline 2254 with histidine.
Molecular consequence: missense variant.
Genome position (GRCh38, 1-based): chr5:177,294,129, C>A. VCF-style: chr5-177294129-C-A. GRCh37 (hg19) VCF-style: chr5-176721130-C-A.
Other names: c.5888C>A, p.Pro1963His (NM_001365684.2, NM_001409308.1, NM_172349.5); c.6761C>A, p.Pro2254His (NM_001409301.1, NM_001409302.1, NM_001409303.1); c.6341C>A, p.Pro2114His (NM_001409304.1); c.6008C>A, p.Pro2003His (NM_001409305.1); c.5999C>A, p.Pro2000His (NM_001409306.1, NM_001409307.1); c.5639C>A, p.Pro1880His (NM_001409309.1); short protein forms P1963H, P1880H, P2003H, P2000H, P2114H, P2254H.
Identifiers: ClinVar variation 3672080 (VCV003672080.2).
Genomic context (GRCh38, chr5:177,294,129, plus strand): 5'-CTCACCTGGCAGAGCAATCAACAGGAATGGCTGCTCAGGCACCCAAAATGTCAGATAAAC[C>A]TCCTGCTGACACCAACCAGATGCTGTCGCTCTCCAAAAAAGCTCTGGCAGGGACTTGTCA-3'
Protein context (NP_071900.2, residues 2244-2264): AAQAPKMSDK[Pro2254His]PADTNQMLSL